The following is an entry in ClinVar:

ClinVar aggregate classification (germline): Conflicting classifications of pathogenicity. Review status: criteria provided, conflicting classifications (1 of 4 stars). 2 submissions from 2 submitters: Uncertain significance (1); Likely benign (1). Last evaluated 2026-08-01.

Conditions:
Inborn genetic diseases. Identifiers: MedGen C0950123, MeSH D030342.

Allele frequency attached by ClinVar (database versions not stated): TOPMed 0.00003; gnomAD 0.00007; ESP Exome Variant Server 0.00008.
gnomAD v4.1: 115 of 1,614,014 alleles (0.0071%); highest among the groups gnomAD compares: Non-Finnish European, 0.0092%; no homozygotes.

Submissions (2):

CeGaT Center for Human Genetics Tuebingen
Classification: Likely benign. Last evaluated: 2026-08-01. Review status: criteria provided, single submitter. Criteria: CeGaT Center For Human Genetics Tuebingen Variant Classification Criteria Version 2. Collection method: clinical testing. Allele origin: germline. Affected: yes. Observed: 1 variant allele.
Comment: MYBPC1: BP4

Ambry Genetics
Classification: Uncertain significance for Inborn genetic diseases. Last evaluated: 2025-03-05. Review status: criteria provided, single submitter. Criteria: Ambry Variant Classification Scheme 2023. Collection method: clinical testing. Allele origin: germline.

NM_002465.4(MYBPC1):c.314A>C (p.Lys105Thr)

Gene: MYBPC1 (myosin binding protein C1; plus strand). Cytogenetic location: 12q23.2.
Variant type: single nucleotide variant.
Coding change: c.314A>C on transcript NM_002465.4 (MANE Select); coding-DNA position 314, A replaced by C.
Protein change: p.Lys105Thr; replaces lysine 105 with threonine.
Molecular consequence: missense variant.
Genome position (GRCh38, 1-based): chr12:101,631,595, A>C. VCF-style: chr12-101631595-A-C. GRCh37 (hg19) VCF-style: chr12-102025373-A-C.
Other names: c.239A>C, p.Lys80Thr (NM_001254718.3, NM_001254719.3, NM_001254721.3 and 4 more transcripts); c.203A>C, p.Lys68Thr (NM_001254720.3); c.161A>C, p.Lys54Thr (NM_001254722.3, NM_001404677.1, NM_001404679.1 and 2 more transcripts); c.200A>C, p.Lys67Thr (NM_001254723.3); c.314A>C, p.Lys105Thr (NM_001404675.1, NM_206819.4); short protein forms K54T, K68T, K105T, K67T, K80T.
Identifiers: ClinVar variation 2351997 (VCV002351997.4), dbSNP rs374808856, ClinGen allele CA6744487.